The following is an entry in ClinVar:

ClinVar aggregate classification (germline): Uncertain significance. Review status: criteria provided, multiple submitters, no conflicts (2 of 4 stars). 2 submissions from 2 submitters: Uncertain significance (2). Last evaluated 2021-08-24.

Allele frequency attached by ClinVar (database versions not stated): TOPMed 0.00004; ExAC 0.00008; gnomAD 0.00009; 1000 Genomes Project 0.00020; 1000 Genomes Project 30x 0.00031.
gnomAD v4.1: 92 of 1,590,892 alleles (0.0058%); highest among the groups gnomAD compares: Middle Eastern, 0.051%; 2 homozygotes.

Submissions (2):

Labcorp Genetics (formerly Invitae), Labcorp
Classification: Uncertain significance. Last evaluated: 2021-08-24. Review status: criteria provided, single submitter. Criteria: Invitae Variant Classification Sherloc (09022015). Collection method: clinical testing. Allele origin: germline.
Comment: This sequence change replaces lysine with asparagine at codon 429 of the MMP2 protein (p.Lys429Asn). The lysine residue is highly conserved and there is a moderate physicochemical difference between lysine and asparagine. This variant is present in population databases (rs201083413, ExAC 0.01%), including at least one homozygous and/or hemizygous individual. This variant has not been reported in the literature in individuals affected with MMP2-related conditions. Algorithms developed to predict the effect of missense changes on protein structure and function are either unavailable or do not agree on the potential impact of this missense change (SIFT: "Tolerated"; PolyPhen-2: "Probably Damaging"; Align-GVGD: "Class C0"). In summary, the available evidence is currently insufficient to determine the role of this variant in disease. Therefore, it has been classified as a Variant of Uncertain Significance.

Breakthrough Genomics
Classification: Uncertain significance. Review status: criteria provided, single submitter. Criteria: ACMG Guidelines, 2015. Collection method: not provided. Allele origin: germline. Inheritance: Autosomal recessive inheritance. Affected: yes.

NM_004530.6(MMP2):c.1287G>T (p.Lys429Asn)

Gene: MMP2 (matrix metallopeptidase 2; plus strand). Cytogenetic location: 16q12.2.
Variant type: single nucleotide variant.
Coding change: c.1287G>T on transcript NM_004530.6 (MANE Select); coding-DNA position 1287, G replaced by T.
Protein change: p.Lys429Asn; replaces lysine 429 with asparagine.
Molecular consequence: missense variant.
Genome position (GRCh38, 1-based): chr16:55,491,907, G>T. VCF-style: chr16-55491907-G-T. GRCh37 (hg19) VCF-style: chr16-55525819-G-T.
Other names: c.1137G>T, p.Lys379Asn (NM_001127891.3); c.1059G>T, p.Lys353Asn (NM_001302508.1, NM_001302509.2, NM_001302510.2); short protein forms K379N, K353N, K429N.
Identifiers: ClinVar variation 1387179 (VCV001387179.6), dbSNP rs201083413, ClinGen allele CA8060367.